The following is an entry in ClinVar:

ClinVar aggregate classification (germline): Uncertain significance. Review status: reviewed by expert panel (3 of 4 stars). 2 submissions from 2 submitters: Uncertain significance (1). 1 of the submissions does not count toward it. Last evaluated 2025-04-11.

Conditions:
Arginine:glycine amidinotransferase deficiency (CCDS3). Also called: L-Arginine:Glycine Amidinotransferase Deficiency; L-Arginine:Glycine Amidinotransferase (AGAT) Deficiency; AGAT deficiency; Creatine deficiency syndrome due to AGAT deficiency; GATM deficiency; Cerebral creatine deficiency syndrome 3. Identifiers: Orphanet 35704, MedGen C2675179, MONDO:0012996, OMIM 612718.

gnomAD v4.1: 1 of 1,580,472 alleles (0.000063%); highest among the groups gnomAD compares: Non-Finnish European, 0.000087%; no homozygotes.

Submissions (2):

ClinGen Cerebral Creatine Deficiency Syndromes Variant Curation Expert Panel, ClinGen
Classification: Uncertain significance for Arginine:glycine amidinotransferase deficiency. Last evaluated: 2025-04-11. Review status: reviewed by expert panel. Criteria: ClinGen CCDS ACMG Specifications GATM V2.0.0. Collection method: curation. Allele origin: germline. Inheritance: Autosomal recessive inheritance.
Comment: The NM_001482.3:c.1162A>G variant in GATM is a missense variant predicted to cause substitution of isoleucine by valine at amino acid 388 (p.Ile388Val). To our knowledge, this variant has not been reported in the literature in an individual with features of AGAT deficiency. The highest population minor allele frequency in gnomAD v4.1.0 is 8.700e-7 (1/1149438 alleles) in the European non-Finnish population, which is lower than the ClinGen CCDS VCEP’s threshold for PM2_Supporting (<0.000055), meeting this criterion (PM2_Supporting). The computational predictor REVEL gives a score of 0.131 which is below the threshold of 0.29, evidence that does not predict a damaging effect on AGAT function, and SpliceAI predicts no impact on splicing (BP4). There is a ClinVar entry for this variant (Variation ID: 654184). In summary, this variant meets the criteria to be classified as a variant of uncertain significance for AGAT deficiency based on the ACMG/AMP criteria applied, as specified by the ClinGen Cerebral Creatine Deficiency Syndromes Variant Curation Expert Panel (Specifications Version 2.0.0): PM2_Supporting, BP4. (Classification approved by the ClinGen CCDS VCEP on April 11, 2025).

Labcorp Genetics (formerly Invitae), Labcorp
Classification: Uncertain significance for Arginine:glycine amidinotransferase deficiency. Last evaluated: 2026-01-25. Review status: criteria provided, single submitter. Criteria: Invitae Variant Classification Sherloc (09022015). Collection method: clinical testing. Allele origin: germline. Not counted in ClinVar's aggregate classification.
Comment: This sequence change replaces isoleucine, which is neutral and non-polar, with valine, which is neutral and non-polar, at codon 388 of the GATM protein (p.Ile388Val). This variant is not present in population databases (gnomAD no frequency). This variant has not been reported in the literature in individuals affected with GATM-related conditions. ClinVar contains an entry for this variant (Variation ID: 654184). Invitae Evidence Modeling of protein sequence and biophysical properties (such as structural, functional, and spatial information, amino acid conservation, physicochemical variation, residue mobility, and thermodynamic stability) has been performed for this missense variant. However, the output from this modeling did not meet the statistical confidence thresholds required to predict the impact of this variant on GATM protein function. In summary, the available evidence is currently insufficient to determine the role of this variant in disease. Therefore, it has been classified as a Variant of Uncertain Significance.

NM_001482.3(GATM):c.1162A>G (p.Ile388Val)

Gene: GATM (glycine amidinotransferase; minus strand). Cytogenetic location: 15q21.1.
Variant type: single nucleotide variant.
Coding change: c.1162A>G on transcript NM_001482.3 (MANE Select); coding-DNA position 1162, A replaced by G.
Protein change: p.Ile388Val; replaces isoleucine 388 with valine.
Molecular consequence: missense variant.
Genome position (GRCh38, 1-based): chr15:45,362,219, T>C on the plus strand (A>G on the coding strand, the complement: GATM is on the minus strand). VCF-style: chr15-45362219-T-C. GRCh37 (hg19) VCF-style: chr15-45654417-T-C.
Other names: NM_001482.3(GATM):c.1162A>G; p.Ile388Val; c.775A>G, p.Ile259Val (NM_001321015.2); short protein forms I259V, I388V.
Identifiers: ClinVar variation 654184 (VCV000654184.10), dbSNP rs1170650328, ClinGen allele CA392255072.
Genomic context (GRCh38, chr15:45,362,219, plus strand): 5'-AGCAATGGAAGCCTCCTCCCAGGGAATTGGCATTACGAATGTTAACTTTAATGGTAGTGA[T>C]ACCTGCATTGAAAGAGAGATGAGGTCAGTTAGATGGACTAACATGACGATTCTCATAGAG-3'
Protein context (NP_001473.1, residues 378-398): PIQKMFEKLG[Ile388Val]TTIKVNIRNA